The following is an entry in ClinVar:

NM_000535.7(PMS2):c.1209C>T (p.Ser403=)

Gene: PMS2 (PMS1 homolog 2, mismatch repair system component; minus strand). Cytogenetic location: 7p22.1.
Variant type: single nucleotide variant.
Coding change: c.1209C>T on transcript NM_000535.7 (MANE Select); coding-DNA position 1209, C replaced by T.
Protein change: p.Ser403=; no amino-acid change (serine 403 retained).
Molecular consequence: synonymous variant. On other transcripts: non-coding transcript variant (1).
Genome position (GRCh38, 1-based): chr7:5,987,556, G>A on the plus strand (C>T on the coding strand, the complement: PMS2 is on the minus strand). VCF-style: chr7-5987556-G-A. GRCh37 (hg19) VCF-style: chr7-6027187-G-A.
Other names: c.804C>T, p.Ser268= (NM_001322003.2, NM_001322004.2, NM_001322005.2 and 1 more transcripts); c.1053C>T, p.Ser351= (NM_001322006.2); c.891C>T, p.Ser297= (NM_001322007.2, NM_001322008.2); c.648C>T, p.Ser216= (NM_001322010.2); c.276C>T, p.Ser92= (NM_001322011.2, NM_001322012.2); c.636C>T, p.Ser212= (NM_001322013.2); c.1209C>T, p.Ser403= (NM_001322014.2); c.900C>T, p.Ser300= (NM_001322015.2).
Identifiers: ClinVar variation 186504 (VCV000186504.21), dbSNP rs147399413, ClinGen allele CA009328.

ClinVar aggregate classification (germline): Benign/Likely benign. Review status: criteria provided, multiple submitters, no conflicts (2 of 4 stars). 9 submissions from 9 submitters: Benign (4); Likely benign (5). Last evaluated 2026-02-01.

Conditions:
Hereditary nonpolyposis colorectal neoplasms. Identifiers: MedGen C0009405, MeSH D003123.
Hereditary cancer-predisposing syndrome. Also called: Neoplastic Syndromes, Hereditary; Tumor predisposition; Hereditary Cancer Syndrome; Hereditary neoplastic syndrome. Identifiers: Orphanet 140162, MedGen C0027672, MeSH D009386, MONDO:0015356.
Lynch syndrome. Identifiers: Orphanet 144, MedGen C4552100, MONDO:0005835. Disease mechanism: loss of function.
Lynch syndrome 4 (LYNCH4). Also called: Colorectal cancer, hereditary nonpolyposis, type 4; Hereditary non-polyposis colorectal cancer, type 4. Identifiers: Orphanet 144, MedGen C1838333, MONDO:0013699, OMIM 614337. Disease mechanism: loss of function.

gnomAD v4.1: 31 of 1,613,546 alleles (0.0019%); highest among the groups gnomAD compares: Admixed American, 0.048%; no homozygotes.

Submissions (9):

Labcorp Genetics (formerly Invitae), Labcorp
Classification: Benign for Hereditary nonpolyposis colorectal neoplasms. Last evaluated: 2026-02-01. Review status: criteria provided, single submitter. Criteria: Invitae Variant Classification Sherloc (09022015). Collection method: clinical testing. Allele origin: germline.

Myriad Genetics, Inc.
Classification: Benign for Lynch syndrome 4. Last evaluated: 2025-01-30. Review status: criteria provided, single submitter. Criteria: Myriad Autosomal Dominant, Autosomal Recessive and X-Linked Classification Criteria (2023). Collection method: clinical testing. Allele origin: unknown.
Comment: This variant is considered benign. This variant is a silent/synonymous amino acid change and it is not expected to impact splicing.

All of Us Research Program, National Institutes of Health
Classification: Likely benign for Lynch syndrome. Last evaluated: 2023-10-27. Review status: criteria provided, single submitter. Criteria: ACMG Guidelines, 2015. Collection method: clinical testing. Allele origin: germline. Inheritance: Autosomal dominant inheritance. Observed: 7 variant alleles, 7 heterozygotes.
Comment: This study involves interpretation of variants in research participants for the purpose of population health screening. Participant phenotype was not available at the time of variant classification. Additional details can be found in publication PMID: 35346344, PMCID: PMC8962531

Sema4
Classification: Likely benign for Hereditary cancer-predisposing syndrome. Last evaluated: 2020-11-28. Review status: criteria provided, single submitter. Criteria: Sema4 Curation Guidelines. Collection method: curation. Allele origin: germline.

PreventionGenetics, part of Exact Sciences
Classification: Likely benign. Last evaluated: 2017-10-23. Review status: criteria provided, single submitter. Criteria: ACMG Guidelines, 2015. Collection method: clinical testing. Allele origin: germline.

Women's Health and Genetics/Laboratory Corporation of America, LabCorp
Classification: Benign. Last evaluated: 2017-06-16. Review status: criteria provided, single submitter. Criteria: LabCorp Variant Classification Summary - May 2015. Collection method: clinical testing. Allele origin: germline.
Comment: Variant summary: The c.1209C>T (p.Ser403=) in PMS2 gene is a synonymous change that involves a non-conserved nucleotide. 5/5 programs in Alamut predict that this variant do not affect a normal splicing, however no functional studies supporting this notion were published at the time of evaluation. The variant is present in control population dataset of ExAC at a frequency of 9.257e-05 (11/118826 chrs tested), predominantly in individuals of Latino descent (0.0008666; 10/11540 chrs tested). The later frequency exceeds the estimated maximal expected allele frequency of a pathogenic variant in PMS2 gene (0.00011). The variant was cited as Likely Benign/Benign by a reputable database/clinical laboratories. Taking together, the variant was classified as Benign.

Color Diagnostics, LLC DBA Color Health
Classification: Likely benign for Hereditary cancer-predisposing syndrome. Last evaluated: 2017-01-03. Review status: criteria provided, single submitter. Criteria: ACMG Guidelines, 2015. Collection method: clinical testing. Allele origin: germline.

GeneDx
Classification: Benign. Last evaluated: 2015-05-05. Review status: criteria provided, single submitter. Criteria: GeneDx Variant Classification (06012015). Collection method: clinical testing. Allele origin: germline. Affected: yes.
Comment: This variant is considered likely benign or benign based on one or more of the following criteria: it is a conservative change, it occurs at a poorly conserved position in the protein, it is predicted to be benign by multiple in silico algorithms, and/or has population frequency not consistent with disease.

Ambry Genetics
Classification: Likely benign for Hereditary cancer-predisposing syndrome. Last evaluated: 2014-10-02. Review status: criteria provided, single submitter. Criteria: Ambry Variant Classification Scheme 2023. Collection method: clinical testing. Allele origin: germline.